The following is an entry in ClinVar:

NM_001365951.3(KIF1B):c.1665T>A (p.Ile555=)

Gene: KIF1B (kinesin family member 1B; plus strand). Cytogenetic location: 1p36.22.
Variant type: single nucleotide variant.
Coding change: c.1665T>A on transcript NM_001365951.3 (MANE Select); coding-DNA position 1665, T replaced by A.
Protein change: p.Ile555=; no amino-acid change (isoleucine 555 retained).
Molecular consequence: synonymous variant.
Genome position (GRCh38, 1-based): chr1:10,295,160, T>A. VCF-style: chr1-10295160-T-A. GRCh37 (hg19) VCF-style: chr1-10355218-T-A.
Other names: c.1665T>A, p.Ile555= (NM_001365952.1); c.1527T>A, p.Ile509= (NM_001365953.1, NM_015074.3, NM_183416.4).
Identifiers: ClinVar variation 1155562 (VCV001155562.26), dbSNP rs200760130, ClinGen allele CA581035.

ClinVar aggregate classification (germline): Likely benign. Review status: criteria provided, multiple submitters, no conflicts (2 of 4 stars). 4 submissions from 4 submitters: Likely benign (4). Last evaluated 2026-01-13.

Conditions:
Charcot-Marie-Tooth disease type 2. Also called: Charcot-Marie-Tooth type 2. Identifiers: Orphanet 64746, MedGen C0270914, MONDO:0018993.

Allele frequency attached by ClinVar (database versions not stated): gnomAD 0.00001 and 0.00002; gnomAD exomes 0.00002 and 0.00004; TOPMed 0.00002; ExAC 0.00005; ESP Exome Variant Server 0.00008; 1000 Genomes Project 30x 0.00016; 1000 Genomes Project 0.00020.

Submissions (4):

Labcorp Genetics (formerly Invitae), Labcorp
Classification: Likely benign for Charcot-Marie-Tooth disease type 2. Last evaluated: 2026-01-13. Review status: criteria provided, single submitter. Criteria: Invitae Variant Classification Sherloc (09022015). Collection method: clinical testing. Allele origin: germline.

Blueprint Genetics
Classification: Likely benign. Last evaluated: 2024-10-15. Review status: criteria provided, single submitter. Criteria: ACMG Guidelines, 2015. Collection method: clinical testing. Allele origin: germline.

CeGaT Center for Human Genetics Tuebingen
Classification: Likely benign. Last evaluated: 2024-08-01. Review status: criteria provided, single submitter. Criteria: CeGaT Center For Human Genetics Tuebingen Variant Classification Criteria Version 2. Collection method: clinical testing. Allele origin: germline. Affected: yes. Observed: 1 variant allele.
Comment: KIF1B: BP4, BP7

Ambry Genetics
Classification: Likely benign. Last evaluated: 2020-12-30. Review status: criteria provided, single submitter. Criteria: Ambry Variant Classification Scheme 2023. Collection method: clinical testing. Allele origin: germline.